The following is an entry in ClinVar:

ClinVar aggregate classification (germline): Uncertain significance. Review status: criteria provided, multiple submitters, no conflicts (2 of 4 stars). 6 submissions from 6 submitters: Uncertain significance (6). Last evaluated 2025-08-04.

Conditions:
Short-rib thoracic dysplasia 10 with or without polydactyly (SRTD10). Identifiers: Orphanet 474, MedGen C3810175, MONDO:0014284, OMIM 615630.
Bardet-Biedl syndrome 20. Identifiers: MedGen C4310707, MONDO:0023670, OMIM 619471, MONDO:0014926.
Retinitis pigmentosa 71 (RP71). Identifiers: Orphanet 791, MedGen C4225342, MONDO:0014618, OMIM 616394.
IFT172-related disorder. Also called: IFT172-related disorders; IFT172-related condition.
Inborn genetic diseases. Identifiers: MedGen C0950123, MeSH D030342.

Allele frequency attached by ClinVar (database versions not stated): TOPMed 0.00002.
gnomAD v4.1: 21 of 1,610,334 alleles (0.0013%); highest among the groups gnomAD compares: Middle Eastern, 0.12%; no homozygotes.

Submissions (6):

PreventionGenetics, part of Exact Sciences
Classification: Uncertain significance for IFT172-related condition. Last evaluated: 2025-08-04. Review status: criteria provided, single submitter. Criteria: ACMG Guidelines, 2015. Collection method: clinical testing. Allele origin: germline.
Comment: The IFT172 c.3700A>C variant is predicted to result in the amino acid substitution p.Asn1234His. To our knowledge, this variant has not been reported in the literature. This variant is reported in 0.0036% of alleles in individuals of European (Non-Finnish) descent in gnomAD. At this time, the clinical significance of this variant is uncertain due to the absence of conclusive functional and genetic evidence.

Blueprint Genetics
Classification: Uncertain significance. Last evaluated: 2024-03-25. Review status: criteria provided, single submitter. Criteria: ACMG Guidelines, 2015. Collection method: clinical testing. Allele origin: germline.

Labcorp Genetics (formerly Invitae), Labcorp
Classification: Uncertain significance for Retinitis pigmentosa 71; Short-rib thoracic dysplasia 10 with or without polydactyly. Last evaluated: 2023-12-11. Review status: criteria provided, single submitter. Criteria: Invitae Variant Classification Sherloc (09022015). Collection method: clinical testing. Allele origin: germline.
Comment: This sequence change replaces asparagine, which is neutral and polar, with histidine, which is basic and polar, at codon 1234 of the IFT172 protein (p.Asn1234His). This variant is present in population databases (rs746597294, gnomAD 0.004%). This variant has not been reported in the literature in individuals affected with IFT172-related conditions. ClinVar contains an entry for this variant (Variation ID: 943315). Advanced modeling of protein sequence and biophysical properties (such as structural, functional, and spatial information, amino acid conservation, physicochemical variation, residue mobility, and thermodynamic stability) performed at Invitae indicates that this missense variant is not expected to disrupt IFT172 protein function with a negative predictive value of 80%. In summary, the available evidence is currently insufficient to determine the role of this variant in disease. Therefore, it has been classified as a Variant of Uncertain Significance.

Ambry Genetics
Classification: Uncertain significance for Inborn genetic diseases. Last evaluated: 2023-01-23. Review status: criteria provided, single submitter. Criteria: Ambry Variant Classification Scheme 2023. Collection method: clinical testing. Allele origin: germline.

Fulgent Genetics
Classification: Uncertain significance for Short-rib thoracic dysplasia 10 with or without polydactyly; Retinitis pigmentosa 71; Bardet-Biedl syndrome 20. Last evaluated: 2021-07-03. Review status: criteria provided, single submitter. Criteria: ACMG Guidelines, 2015. Collection method: clinical testing. Allele origin: unknown.

New York Genome Center
Classification: Uncertain significance for Retinitis pigmentosa 71; Short-rib thoracic dysplasia 10 with or without polydactyly. Last evaluated: 2020-11-10. Review status: criteria provided, single submitter. Criteria: NYGC Assertion Criteria 2020. Collection method: clinical testing. Allele origin: germline. Observed: 1 heterozygote.

NM_015662.3(IFT172):c.3700A>C (p.Asn1234His)

Genes: IFT172 (intraflagellar transport 172; minus strand), LOC126806173 (BRD4-independent group 4 enhancer GRCh37_chr2:27676057-27677256; plus strand). Cytogenetic location: 2p23.3.
Variant type: single nucleotide variant.
Coding change: c.3700A>C on transcript NM_015662.3 (MANE Select); coding-DNA position 3700, A replaced by C.
Protein change: p.Asn1234His; replaces asparagine 1234 with histidine.
Molecular consequence: missense variant.
Genome position (GRCh38, 1-based): chr2:27,453,993, T>G on the plus strand (A>C on the coding strand, the complement: IFT172 is on the minus strand). VCF-style: chr2-27453993-T-G. GRCh37 (hg19) VCF-style: chr2-27676860-T-G.
Other names: c.3700A>C (NM_015662.1); short protein forms N1234H.
Identifiers: ClinVar variation 943315 (VCV000943315.16), dbSNP rs746597294, ClinGen allele CA1579901.